The following is an entry in ClinVar:

ClinVar aggregate classification (germline): Uncertain significance (1 of 4 stars; one submission).

Submission:

Dasa
Classification: Uncertain significance. Last evaluated: 2025-01-10. Review status: criteria provided, single submitter. Criteria: DASA Assertion Criteria. Collection method: clinical testing. Allele origin: germline.
Comment: NM_022841.7(RFX7):c.3726G>C (p.Lys1242Asn) is a missense variant that results in the substitution of lysine with asparagine. This variant is absent from population databases. Computational prediction algorithms are consistent with a benign effect. The currently available literature and clinical evidence are not sufficient to establish a definitive association between this variant and the reported condition. Therefore, this variant is classified as a variant of uncertain significance.

NM_022841.7(RFX7):c.3726G>C (p.Lys1242Asn)

Gene: RFX7 (regulatory factor X7; minus strand). Cytogenetic location: 15q21.3.
Variant type: single nucleotide variant.
Coding change: c.3726G>C on transcript NM_022841.7 (MANE Select); coding-DNA position 3726, G replaced by C.
Protein change: p.Lys1242Asn; replaces lysine 1242 with asparagine.
Molecular consequence: missense variant.
Genome position (GRCh38, 1-based): chr15:56,094,002, C>G on the plus strand (G>C on the coding strand, the complement: RFX7 is on the minus strand). VCF-style: chr15-56094002-C-G. GRCh37 (hg19) VCF-style: chr15-56386200-C-G.
Other names: c.3435G>C, p.Lys1145Asn (NM_001368073.2, NM_001368074.1, NM_001370554.1); c.3726G>C, p.Lys1242Asn (NM_001370561.1); short protein forms K1145N, K1242N.
Identifiers: ClinVar variation 4883095 (VCV004883095.2).